The following is an entry in ClinVar:

NM_201525.4(ADGRG1):c.874del (p.Asp292fs)

Gene: ADGRG1 (adhesion G protein-coupled receptor G1; plus strand). Cytogenetic location: 16q21.
Variant type: Deletion.
Coding change: c.874del on transcript NM_201525.4 (MANE Select); coding-DNA position 874, one base deleted (G; older notation c.874delG).
Protein change: p.Asp292fs; shifts the reading frame from aspartic acid 292.
Molecular consequence: frameshift variant.
Genome position (GRCh38, 1-based): chr16:57,655,504, G deleted; the last of 2 consecutive G bases (chr16:57,655,503-57,655,504); deleting either gives the same sequence. VCF-style (leftmost placement, unchanged base first): chr16-57655502-TG-T. GRCh37 (hg19) VCF-style: chr16-57689414-TG-T.
Other names: c.874del, p.Asp292fs (NM_001145770.3, NM_001145771.3, NM_001145772.3 and 16 more transcripts); c.889del, p.Asp297fs (NM_001145773.3, NM_001370433.1); c.364del, p.Asp122fs (NM_001290142.2); c.349del, p.Asp117fs (NM_001290143.2, NM_001290144.2, NM_001370451.1 and 2 more transcripts); c.718del, p.Asp240fs (NM_001370442.1); short protein forms D117fs, D292fs, D297fs, D122fs, D240fs.
Identifiers: ClinVar variation 2107261 (VCV002107261.4), dbSNP rs2045484817, ClinGen allele CA977693450.

ClinVar aggregate classification (germline): Pathogenic (1 of 4 stars; one submission).

Submission:

Labcorp Genetics (formerly Invitae), Labcorp
Classification: Pathogenic. Last evaluated: 2022-06-18. Review status: criteria provided, single submitter. Criteria: Invitae Variant Classification Sherloc (09022015). Collection method: clinical testing. Allele origin: germline.
Comment: This variant is not present in population databases (gnomAD no frequency). This sequence change creates a premature translational stop signal (p.Asp292Thrfs*31) in the ADGRG1 gene. It is expected to result in an absent or disrupted protein product. Loss-of-function variants in ADGRG1 are known to be pathogenic (PMID: 15044805, 20929962). This variant has not been reported in the literature in individuals affected with ADGRG1-related conditions. For these reasons, this variant has been classified as Pathogenic.

Literature cited by the submitters: PubMed 15044805; PubMed 20929962.